The following is an entry in ClinVar:

ClinVar aggregate classification (germline): Uncertain significance (1 of 4 stars; one submission).

Allele frequency attached by ClinVar (database versions not stated): TOPMed below 0.00001; gnomAD 0.00001; gnomAD exomes 0.00002; ExAC 0.00003; 1000 Genomes Project 30x 0.00016; 1000 Genomes Project 0.00020.
gnomAD v4.1: 24 of 1,613,368 alleles (0.0015%); highest among the groups gnomAD compares: East Asian, 0.0067%; no homozygotes.

Submission:

Labcorp Genetics (formerly Invitae), Labcorp
Classification: Uncertain significance. Last evaluated: 2022-03-07. Review status: criteria provided, single submitter. Criteria: Invitae Variant Classification Sherloc (09022015). Collection method: clinical testing. Allele origin: germline.
Comment: This sequence change replaces glutamic acid, which is acidic and polar, with lysine, which is basic and polar, at codon 533 of the CAD protein (p.Glu533Lys). This variant is present in population databases (rs575934358, gnomAD 0.007%). This variant has not been reported in the literature in individuals affected with CAD-related conditions. Algorithms developed to predict the effect of missense changes on protein structure and function (SIFT, PolyPhen-2, Align-GVGD) all suggest that this variant is likely to be tolerated. In summary, the available evidence is currently insufficient to determine the role of this variant in disease. Therefore, it has been classified as a Variant of Uncertain Significance.

NM_004341.5(CAD):c.1597G>A (p.Glu533Lys)

Gene: CAD (carbamoyl-phosphate synthetase 2, aspartate transcarbamylase, and dihydroorotase; plus strand). Cytogenetic location: 2p23.3.
Variant type: single nucleotide variant.
Coding change: c.1597G>A on transcript NM_004341.5 (MANE Select); coding-DNA position 1597, G replaced by A.
Protein change: p.Glu533Lys; replaces glutamic acid 533 with lysine.
Molecular consequence: missense variant.
Genome position (GRCh38, 1-based): chr2:27,225,220, G>A. VCF-style: chr2-27225220-G-A. GRCh37 (hg19) VCF-style: chr2-27448088-G-A.
Other names: c.1597G>A, p.Glu533Lys (NM_001306079.2); short protein forms E533K.
Identifiers: ClinVar variation 1365739 (VCV001365739.5), dbSNP rs575934358, ClinGen allele CA1572760.